The following is an entry in ClinVar:

NM_001142800.2(EYS):c.8370_8371del (p.Arg2790fs)

Genes: EYS (EGF-like photoreceptor maintenance factor; minus strand), PHF3 (PHD finger protein 3; plus strand). Cytogenetic location: 6q12.
Variant type: Microsatellite.
Coding change: c.8370_8371del on transcript NM_001142800.2 (MANE Select); coding-DNA positions 8370 to 8371, 2 bases deleted (AG; older notation c.8370_8371delAG).
Protein change: p.Arg2790fs; shifts the reading frame from arginine 2790.
Molecular consequence: frameshift variant. On other transcripts: 3 prime UTR variant (5).
Genome position (GRCh38, 1-based): chr6:63,721,660-63,721,661, CT deleted on the plus strand (AG on the coding strand, the reverse complement: EYS is on the minus strand); deleting any 2 consecutive bases within chr6:63,721,660-63,721,663 gives the same sequence; the c. name uses the placement nearest the transcript's 3' end. VCF-style (leftmost placement, unchanged base first): chr6-63721659-ACT-A. GRCh37 (hg19) VCF-style: chr6-64431555-ACT-A.
Other names: c.*7952CT[1] (NM_001290259.2, NM_001370348.2, NM_001370349.2 and 2 more transcripts); c.8433_8434del, p.Arg2811fs (NM_001292009.2); short protein forms R2790fs, R2811fs.
Identifiers: ClinVar variation 2021708 (VCV002021708.4), dbSNP rs2533392808, ClinGen allele CA2580617273.

ClinVar aggregate classification (germline): Pathogenic (1 of 4 stars; one submission).

Submission:

Labcorp Genetics (formerly Invitae), Labcorp
Classification: Pathogenic. Last evaluated: 2022-08-05. Review status: criteria provided, single submitter. Criteria: Invitae Variant Classification Sherloc (09022015). Collection method: clinical testing. Allele origin: germline.
Comment: For these reasons, this variant has been classified as Pathogenic. This variant disrupts a region of the EYS protein in which other variant(s) (p.Tyr3135*) have been determined to be pathogenic (PMID: 18976725, 29159838, 30337596, 31074760). This suggests that this is a clinically significant region of the protein, and that variants that disrupt it are likely to be disease-causing. This variant has not been reported in the literature in individuals affected with EYS-related conditions. This variant is not present in population databases (gnomAD no frequency). This sequence change creates a premature translational stop signal (p.Arg2790Serfs*21) in the EYS gene. While this is not anticipated to result in nonsense mediated decay, it is expected to disrupt the last 355 amino acid(s) of the EYS protein.

Literature cited by the submitters: PubMed 18976725; PubMed 29159838; PubMed 30337596; PubMed 31074760.